The following is an entry in ClinVar:

ClinVar aggregate classification (germline): Uncertain significance (1 of 4 stars; one submission).

Conditions:
Peroxisome biogenesis disorder 2B (PBD2B). Identifiers: Orphanet 44, MedGen C3550234, MONDO:0008736, OMIM 202370.

Submission:

Labcorp Genetics (formerly Invitae), Labcorp
Classification: Uncertain significance for Peroxisome biogenesis disorder 2B. Last evaluated: 2022-08-22. Review status: criteria provided, single submitter. Criteria: Invitae Variant Classification Sherloc (09022015). Collection method: clinical testing. Allele origin: germline.
Comment: This sequence change replaces glutamic acid, which is acidic and polar, with aspartic acid, which is acidic and polar, at codon 540 of the PEX5 protein (p.Glu540Asp). This variant is not present in population databases (gnomAD no frequency). This variant has not been reported in the literature in individuals affected with PEX5-related conditions. Algorithms developed to predict the effect of missense changes on protein structure and function are either unavailable or do not agree on the potential impact of this missense change (SIFT: "Tolerated"; PolyPhen-2: "Probably Damaging"; Align-GVGD: "Class C0"). In summary, the available evidence is currently insufficient to determine the role of this variant in disease. Therefore, it has been classified as a Variant of Uncertain Significance.

NM_001351132.2(PEX5):c.1620A>C (p.Glu540Asp)

Gene: PEX5 (peroxisomal biogenesis factor 5; plus strand). Cytogenetic location: 12p13.31.
Variant type: single nucleotide variant.
Coding change: c.1620A>C on transcript NM_001351132.2 (MANE Select); coding-DNA position 1620, A replaced by C.
Protein change: p.Glu540Asp; replaces glutamic acid 540 with aspartic acid.
Molecular consequence: missense variant.
Genome position (GRCh38, 1-based): chr12:7,209,742, A>C. VCF-style: chr12-7209742-A-C. GRCh37 (hg19) VCF-style: chr12-7362338-A-C.
Other names: c.1596A>C, p.Glu532Asp (NM_000319.5); c.1665A>C, p.Glu555Asp (NM_001131023.2); c.1509A>C, p.Glu503Asp (NM_001131024.2, NM_001351124.3, NM_001351126.2 and 7 more transcripts); c.1620A>C, p.Glu540Asp (NM_001131025.2, NM_001131026.2, NM_001300789.3 and 4 more transcripts); c.1554A>C, p.Glu518Asp (NM_001351135.3, NM_001351138.2); c.1611A>C, p.Glu537Asp (NM_001351136.2); c.1485A>C, p.Glu495Asp (NM_001351139.2, NM_001351140.2, NM_001374649.2); short protein forms E495D, E503D, E518D, E532D, E537D, E540D, E555D.
Identifiers: ClinVar variation 1717632 (VCV001717632.3), dbSNP rs2540322706, ClinGen allele CA383738084.
Genomic context (GRCh38, chr12:7,209,742, plus strand): 5'-GGACTATTTGCTGTGGAATAAGCTAGGCGCCACCCTGGCCAATGGAAACCAGAGTGAAGA[A>C]GCAGTAGCTGCGTACCGCCGGGCCCTCGAGCTCCAGCCTGGCTATATCCGGTCCCGCTAT-3'
Protein context (NP_001338061.1, residues 530-550): ATLANGNQSE[Glu540Asp]AVAAYRRALE